The following is an entry in ClinVar:

ClinVar aggregate classification (germline): Uncertain significance. Review status: criteria provided, multiple submitters, no conflicts (2 of 4 stars). 2 submissions from 2 submitters: Uncertain significance (2). Last evaluated 2023-07-16.

Allele frequency attached by ClinVar (database versions not stated): ExAC 0.00001.
gnomAD v4.1: 7 of 1,613,980 alleles (0.00043%); highest among the groups gnomAD compares: Admixed American, 0.0017%; no homozygotes.

Submissions (2):

Ambry Genetics
Classification: Uncertain significance. Last evaluated: 2023-07-16. Review status: criteria provided, single submitter. Criteria: Ambry Variant Classification Scheme 2023. Collection method: clinical testing. Allele origin: germline.
Comment: The p.R601L variant (also known as c.1802G>T), located in coding exon 12 of the RINT1 gene, results from a G to T substitution at nucleotide position 1802. The arginine at codon 601 is replaced by leucine, an amino acid with dissimilar properties. This amino acid position is conserved. In addition, the in silico prediction for this alteration is inconclusive. Since supporting evidence is limited at this time, the clinical significance of this alteration remains unclear.

Labcorp Genetics (formerly Invitae), Labcorp
Classification: Uncertain significance. Last evaluated: 2023-03-19. Review status: criteria provided, single submitter. Criteria: Invitae Variant Classification Sherloc (09022015). Collection method: clinical testing. Allele origin: germline.
Comment: In summary, the available evidence is currently insufficient to determine the role of this variant in disease. Therefore, it has been classified as a Variant of Uncertain Significance. This sequence change replaces arginine, which is basic and polar, with leucine, which is neutral and non-polar, at codon 601 of the RINT1 protein (p.Arg601Leu). This variant is present in population databases (rs747456943, gnomAD 0.003%). This variant has not been reported in the literature in individuals affected with RINT1-related conditions. An algorithm developed to predict the effect of missense changes on protein structure and function (PolyPhen-2) suggests that this variant is likely to be tolerated.

NM_021930.6(RINT1):c.1802G>T (p.Arg601Leu)

Gene: RINT1 (RAD50 interactor 1; plus strand). Cytogenetic location: 7q22.3.
Variant type: single nucleotide variant.
Coding change: c.1802G>T on transcript NM_021930.6 (MANE Select); coding-DNA position 1802, G replaced by T.
Protein change: p.Arg601Leu; replaces arginine 601 with leucine.
Molecular consequence: missense variant. On other transcripts: non-coding transcript variant (1).
Genome position (GRCh38, 1-based): chr7:105,563,863, G>T. VCF-style: chr7-105563863-G-T. GRCh37 (hg19) VCF-style: chr7-105204310-G-T.
Other names: c.1568G>T, p.Arg523Leu (NM_001346599.2); c.779G>T, p.Arg260Leu (NM_001346600.2, NM_001346603.2); c.878G>T, p.Arg293Leu (NM_001346601.2); short protein forms R260L, R523L, R601L, R293L.
Identifiers: ClinVar variation 2625526 (VCV002625526.5), dbSNP rs747456943, ClinGen allele CA4426771.